The following is an entry in ClinVar:

NM_005677.4(COLQ):c.679C>T (p.Arg227Ter)

Gene: COLQ (collagen like tail subunit of asymmetric acetylcholinesterase; minus strand). Cytogenetic location: 3p25.1.
Variant type: single nucleotide variant.
Coding change: c.679C>T on transcript NM_005677.4 (MANE Select); coding-DNA position 679, C replaced by T.
Protein change: p.Arg227Ter; replaces arginine 227 with a stop codon.
Molecular consequence: nonsense.
Genome position (GRCh38, 1-based): chr3:15,470,574, G>A on the plus strand (C>T on the coding strand, the complement: COLQ is on the minus strand). VCF-style: chr3-15470574-G-A. GRCh37 (hg19) VCF-style: chr3-15512081-G-A.
Other names: c.649C>T, p.Arg217Ter (NM_080538.2); c.577C>T, p.Arg193Ter (NM_080539.4); short protein forms R227*, R217*, R193*.
Identifiers: ClinVar variation 280125 (VCV000280125.55), dbSNP rs770045897, ClinGen allele CA2276025.

ClinVar aggregate classification (germline): Pathogenic. Review status: criteria provided, multiple submitters, no conflicts (2 of 4 stars). 8 submissions from 8 submitters: Pathogenic (8). Last evaluated 2025-06-19.

Conditions:
COLQ-related disorder. Also called: COLQ-related condition.
Synaptic congenital myasthenic syndromes. Identifiers: Orphanet 98915, MedGen C5681640.
Congenital myasthenic syndrome (CMS). Also called: Congenital Myasthenic Syndromes. Identifiers: Orphanet 590, MedGen C0751882, MeSH D020294, MONDO:0018940.
Congenital myasthenic syndrome 5. Identifiers: Orphanet 590, MedGen C1864233, MONDO:0011281, OMIM 603034.

Allele frequency attached by ClinVar (database versions not stated): gnomAD 0.00001; TOPMed 0.00001.

Submissions (8):

Clinical Genetics Laboratory, Skane University Hospital Lund
Classification: Pathogenic for Congenital myasthenic syndrome. Last evaluated: 2025-06-19. Review status: criteria provided, single submitter. Criteria: ACMG Guidelines, 2015. Collection method: clinical testing. Allele origin: germline. Affected: yes.
Comment: ACMG criteria applied: PVS1, PM2, PM3.

Baylor Genetics
Classification: Pathogenic for Congenital myasthenic syndrome 5. Last evaluated: 2024-03-20. Review status: criteria provided, single submitter. Criteria: ACMG Guidelines, 2015. Collection method: clinical testing. Allele origin: unknown.

Neuromuscular Department, Shariati Hospital, Tehran University of Medical Sciences
Classification: Pathogenic for Synaptic congenital myasthenic syndromes. Last evaluated: 2023-01-01. Review status: criteria provided, single submitter. Criteria: ACMG Guidelines, 2015. Collection method: clinical testing. Allele origin: germline. Affected: yes. Observed: 1 variant allele.

Labcorp Genetics (formerly Invitae), Labcorp
Classification: Pathogenic for Congenital myasthenic syndrome 5. Last evaluated: 2022-09-01. Review status: criteria provided, single submitter. Criteria: Invitae Variant Classification Sherloc (09022015). Collection method: clinical testing. Allele origin: germline.
Comment: For these reasons, this variant has been classified as Pathogenic. ClinVar contains an entry for this variant (Variation ID: 280125). This premature translational stop signal has been observed in individual(s) with congenital myasthenic syndrome (PMID: 18180250, 22088788, 23553736, 25557462). In at least one individual the data is consistent with being in trans (on the opposite chromosome) from a pathogenic variant. This variant is present in population databases (rs770045897, gnomAD 0.0009%). This sequence change creates a premature translational stop signal (p.Arg227*) in the COLQ gene. It is expected to result in an absent or disrupted protein product. Loss-of-function variants in COLQ are known to be pathogenic (PMID: 22678886).

GeneDx
Classification: Pathogenic. Last evaluated: 2022-01-13. Review status: criteria provided, single submitter. Criteria: GeneDx Variant Classification Process June 2021. Collection method: clinical testing. Allele origin: germline. Affected: yes.
Comment: Not observed at significant frequency in large population cohorts (gnomAD); Nonsense variant predicted to result in protein truncation or nonsense mediated decay in a gene for which loss-of-function is a known mechanism of disease; This variant is associated with the following publications: (PMID: 25525159, 23553736, 22088788, 28464723, 25557462, 18180250)

Blueprint Genetics
Classification: Pathogenic for COLQ-related disorders. Last evaluated: 2021-09-29. Review status: criteria provided, single submitter. Criteria: ACMG Guidelines, 2015. Collection method: clinical testing. Allele origin: germline. Affected: yes. Observed: 1 variant allele.

CeGaT Center for Human Genetics Tuebingen
Classification: Pathogenic. Last evaluated: 2019-04-01. Review status: criteria provided, single submitter. Criteria: CeGaT Center For Human Genetics Tuebingen Variant Classification Criteria Version 2. Collection method: clinical testing. Allele origin: germline. Affected: yes. Observed: 2 variant alleles.

Genomic Research Center, Shahid Beheshti University of Medical Sciences
Classification: Pathogenic for Congenital myasthenic syndrome 5. Last evaluated: 2017-12-18. Review status: criteria provided, single submitter. Criteria: ACMG Guidelines, 2015. Collection method: clinical testing. Allele origin: inherited. Affected: yes.

Literature cited by the submitters: PubMed 18180250 (cited by Labcorp Genetics (formerly Invitae), Labcorp); PubMed 22088788 (cited by Labcorp Genetics (formerly Invitae), Labcorp); PubMed 23553736 (cited by Labcorp Genetics (formerly Invitae), Labcorp); PubMed 25557462 (cited by Labcorp Genetics (formerly Invitae), Labcorp); PubMed 22678886 (cited by Labcorp Genetics (formerly Invitae), Labcorp).